The following is an entry in ClinVar:

ClinVar aggregate classification (germline): Pathogenic/Likely pathogenic. Review status: criteria provided, multiple submitters, no conflicts (2 of 4 stars). 7 submissions from 7 submitters: Pathogenic (4); Likely pathogenic (2). 1 of the submissions does not count toward it. Last evaluated 2026-06-02.

Conditions:
AFF4-related disorder. Also called: AFF4-related condition.
Cognitive impairment - coarse facies - heart defects - obesity - pulmonary involvement - short stature - skeletal dysplasia syndrome. Also called: AFF4-Related CHOPS Syndrome; COGNITIVE IMPAIRMENT, COARSE FACIES, HEART DEFECTS, OBESITY, PULMONARY INVOLVEMENT, SHORT STATURE, AND SKELETAL DYSPLASIA; Chops syndrome. Identifiers: Orphanet 444077, MedGen C4085597, MONDO:0014609, OMIM 616368.

Submissions (7):

PreventionGenetics, part of Exact Sciences
Classification: Pathogenic for AFF4-related condition. Last evaluated: 2026-06-02. Review status: criteria provided, single submitter. Criteria: ACMG Guidelines, 2015. Collection method: clinical testing. Allele origin: germline.
Comment: The AFF4 c.772C>T variant is predicted to result in the amino acid substitution p.Arg258Trp. This variant has been reported as a recurrent de novo variant in several patients with CHOPS syndrome (Izumi et al. 2015. PubMed ID: 25730767; Raible et al. 2019. PubMed ID: 31058441). This variant has also been reported in an individual with autism (Supplementary Data 3, Zhou et al. 2022. PubMed ID: 35982159) , an individual with Cornelia de Lange syndrome (Table S1, Kaur et al. 2023. PubMed ID: 37377026), and an individual with developmental delay, hypotonia, hearing loss, facial dysmorphism, microcephaly, autism, and failure to thrive (Table S1, Ilic et al. 2024. PubMed ID: 38927725). This variant has not been reported in a large population database (gnomad), indicating this variant is rare. This variant is interpreted as pathogenic/likely pathogenic in ClinVar (Variation ID: 190331). This variant is interpreted as pathogenic.

GeneDx
Classification: Pathogenic. Last evaluated: 2025-10-29. Review status: criteria provided, single submitter. Criteria: GeneDx Variant Classification Process June 2021. Collection method: clinical testing. Allele origin: germline. Affected: yes.
Comment: Functional studies demonstrate that R258W results in a significantly reduced proteosomal degradation in an overexpression model using HEK-293T cells, whereas transcriptional targets MYC gene and JUN gene were upregulated in the variant compared to wild type in this overexpression model. In addition, patient-derived fibroblasts had significantly elevated AFF4 protein levels, and upregulation of MYC expression, but not that of JUN (PMID: 25730767); Not observed at significant frequency in large population cohorts (gnomAD); In silico analysis supports that this missense variant has a deleterious effect on protein structure/function; This variant is associated with the following publications: (PMID: 33057194, 37377026, 35982159, 27119594, 31058441, 25730767, 38927725)

Institute of Medical Genetics and Applied Genomics, University Hospital Tübingen
Classification: Pathogenic for Cognitive impairment - coarse facies - heart defects - obesity - pulmonary involvement - short stature - skeletal dysplasia syndrome. Last evaluated: 2025-06-11. Review status: criteria provided, single submitter. Criteria: ACMG Guidelines, 2015. Collection method: clinical testing. Allele origin: de novo. Inheritance: Autosomal dominant inheritance. Affected: yes.

CeGaT Center for Human Genetics Tuebingen
Classification: Likely pathogenic. Last evaluated: 2024-11-01. Review status: criteria provided, single submitter. Criteria: CeGaT Center For Human Genetics Tuebingen Variant Classification Criteria Version 2. Collection method: clinical testing. Allele origin: germline. Affected: yes. Observed: 1 variant allele.
Comment: AFF4: PM2, PM6, PS4:Moderate, PP3, PS3:Supporting

Equipe Genetique des Anomalies du Developpement, Université de Bourgogne
Classification: Likely pathogenic for Cognitive impairment - coarse facies - heart defects - obesity - pulmonary involvement - short stature - skeletal dysplasia syndrome. Last evaluated: 2018-08-07. Review status: criteria provided, single submitter. Criteria: ACMG Guidelines, 2015. Collection method: clinical testing. Allele origin: de novo. Affected: yes.

Labcorp Genetics (formerly Invitae), Labcorp
Classification: Pathogenic for Cognitive impairment - coarse facies - heart defects - obesity - pulmonary involvement - short stature - skeletal dysplasia syndrome. Last evaluated: 2017-06-28. Review status: criteria provided, single submitter. Criteria: Invitae Variant Classification Sherloc (09022015). Collection method: clinical testing. Allele origin: germline.
Comment: For these reasons, this variant has been classified as Pathogenic. Experimental studies have shown that this missense change leads to increased AFF4 protein levels and higher expression of transcriptional target genes (PMID: 25730767). This variant has been reported to be de novo in an individual affected with CHOPS syndrome (PMID: 25730767). ClinVar contains an entry for this variant (Variation ID: 190331). This variant is not present in population databases (ExAC no frequency). This sequence change replaces arginine with tryptophan at codon 258 of the AFF4 protein (p.Arg258Trp). The arginine residue is highly conserved and there is a moderate physicochemical difference between arginine and tryptophan.

OMIM
Classification: Pathogenic for CHOPS SYNDROME. Last evaluated: 2015-04-01. Review status: no assertion criteria provided. Collection method: literature only. Allele origin: germline. Not counted in ClinVar's aggregate classification.

Literature cited by the submitters: PubMed 25730767 (cited by Labcorp Genetics (formerly Invitae), Labcorp and OMIM).

NM_014423.4(AFF4):c.772C>T (p.Arg258Trp)

Gene: AFF4 (ALF transcription elongation factor 4; minus strand). Cytogenetic location: 5q31.1.
Variant type: single nucleotide variant.
Coding change: c.772C>T on transcript NM_014423.4 (MANE Select); coding-DNA position 772, C replaced by T.
Protein change: p.Arg258Trp; replaces arginine 258 with tryptophan.
Molecular consequence: missense variant.
Genome position (GRCh38, 1-based): chr5:132,934,293, G>A on the plus strand (C>T on the coding strand, the complement: AFF4 is on the minus strand). VCF-style: chr5-132934293-G-A. GRCh37 (hg19) VCF-style: chr5-132269985-G-A.
Other names: short protein forms R258W.
Identifiers: ClinVar variation 190331 (VCV000190331.29), dbSNP rs786205680, ClinGen allele CA199681.
Genomic context (GRCh38, chr5:132,934,293, plus strand): 5'-GGCTGCTGTAGTGCTCAGAGGACAGCTTTGGTTCCATGGACTCCTGTCCGTCCATGGGCC[G>A]CACATAGGCAGTGGGTTTCTGTAACATTGAATTGGACTTTGACATCAATGAGGGTGGGAA-3'
Protein context (NP_055238.1, residues 248-268): SMLQKPTAYV[Arg258Trp]PMDGQESMEP